The following is an entry in ClinVar:

NM_001378477.3(NYX):c.571G>A (p.Ala191Thr)

Gene: NYX (nyctalopin; plus strand). Cytogenetic location: Xp11.4.
Variant type: single nucleotide variant.
Coding change: c.571G>A on transcript NM_001378477.3 (MANE Select); coding-DNA position 571, G replaced by A.
Protein change: p.Ala191Thr; replaces alanine 191 with threonine.
Molecular consequence: missense variant.
Genome position (GRCh38, 1-based): chrX:41,474,039, G>A. VCF-style: chrX-41474039-G-A. GRCh37 (hg19) VCF-style: chrX-41333292-G-A.
Other names: c.586G>A (NM_022567.2); c.571G>A, p.Ala191Thr (NM_022567.3); short protein forms A191T.
Identifiers: ClinVar variation 1085465 (VCV001085465.12), dbSNP rs775575693, ClinGen allele CA10389839.
Genomic context (GRCh38, chrX:41,474,039, plus strand): 5'-GGCGCGCTGCGCGGCCTGGCCAACCTGACGCACGCGCACCTGGAGCGCGGCCGCATCGAG[G>A]CGGTGGCCTCCAGCTCGCTGCAGGGCCTGCGCCGCCTGCGCTCGCTCAGCCTGCAGGCCA-3'
Protein context (NP_001365406.2, residues 181-201): HAHLERGRIE[Ala191Thr]VASSSLQGLR

ClinVar aggregate classification (germline): Conflicting classifications of pathogenicity. Review status: criteria provided, conflicting classifications (1 of 4 stars). 4 submissions from 4 submitters: Uncertain significance (1); Benign (1); Likely benign (2). Last evaluated 2025-04-24.

Conditions:
Inborn genetic diseases. Identifiers: MedGen C0950123, MeSH D030342.
NYX-related disorder. Also called: NYX-related condition.

Allele frequency attached by ClinVar (database versions not stated): gnomAD 0.00003; gnomAD exomes 0.00004 and 0.00033; TOPMed 0.00012.

Submissions (4):

Ambry Genetics
Classification: Uncertain significance for Inborn genetic diseases. Last evaluated: 2025-04-24. Review status: criteria provided, single submitter. Criteria: Ambry Variant Classification Scheme 2023. Collection method: clinical testing. Allele origin: germline.

Labcorp Genetics (formerly Invitae), Labcorp
Classification: Likely benign. Last evaluated: 2025-01-13. Review status: criteria provided, single submitter. Criteria: Invitae Variant Classification Sherloc (09022015). Collection method: clinical testing. Allele origin: germline.

PreventionGenetics, part of Exact Sciences
Classification: Likely benign for NYX-related condition. Last evaluated: 2024-12-19. Review status: criteria provided, single submitter. Criteria: ACMG Guidelines, 2015. Collection method: clinical testing. Allele origin: germline.
Comment: This variant is classified as likely benign based on ACMG/AMP sequence variant interpretation guidelines (Richards et al. 2015 PMID: 25741868, with internal and published modifications).

Blueprint Genetics
Classification: Benign. Last evaluated: 2020-02-27. Review status: criteria provided, single submitter. Criteria: ACMG Guidelines, 2015. Collection method: clinical testing. Allele origin: germline.